The following is an entry in ClinVar:

NM_002067.5(GNA11):c.592A>C (p.Asn198His)

Gene: GNA11 (G protein subunit alpha 11; plus strand). Cytogenetic location: 19p13.3.
Variant type: single nucleotide variant.
Coding change: c.592A>C on transcript NM_002067.5 (MANE Select); coding-DNA position 592, A replaced by C.
Protein change: p.Asn198His; replaces asparagine 198 with histidine.
Molecular consequence: missense variant.
Genome position (GRCh38, 1-based): chr19:3,115,059, A>C. VCF-style: chr19-3115059-A-C. GRCh37 (hg19) VCF-style: chr19-3115057-A-C.
Other names: short protein forms N198H.
Identifiers: ClinVar variation 1494776 (VCV001494776.9), dbSNP rs768371546, ClinGen allele CA9074916.

ClinVar aggregate classification (germline): Uncertain significance. Review status: criteria provided, multiple submitters, no conflicts (2 of 4 stars). 2 submissions from 2 submitters: Uncertain significance (2). Last evaluated 2022-03-10.

Conditions:
Familial hypocalciuric hypercalcemia 2. Also called: FAMILIAL BENIGN HYPERCALCEMIA, TYPE II; Hypocalciuric hypercalcemia, type II; Hypocalciuric hypercalcemia, familial, type II. Identifiers: Orphanet 101049, Orphanet 405, MedGen C1840347, MONDO:0007792, OMIM 145981.
Autosomal dominant hypocalcemia 2. Identifiers: Orphanet 2238, Orphanet 428, MedGen C3809243, MONDO:0014146, OMIM 615361.

Allele frequency attached by ClinVar (database versions not stated): gnomAD exomes below 0.00001 and 0.00001; ExAC 0.00001; TOPMed 0.00001; gnomAD 0.00002.
gnomAD v4.1: 24 of 1,612,954 alleles (0.0015%); highest among the groups gnomAD compares: Non-Finnish European, 0.0017%; no homozygotes.

Submissions (2):

Fulgent Genetics
Classification: Uncertain significance for Familial hypocalciuric hypercalcemia 2; Autosomal dominant hypocalcemia 2. Last evaluated: 2022-03-10. Review status: criteria provided, single submitter. Criteria: ACMG Guidelines, 2015. Collection method: clinical testing. Allele origin: unknown.

Labcorp Genetics (formerly Invitae), Labcorp
Classification: Uncertain significance. Last evaluated: 2022-01-03. Review status: criteria provided, single submitter. Criteria: Invitae Variant Classification Sherloc (09022015). Collection method: clinical testing. Allele origin: germline.
Comment: In summary, the available evidence is currently insufficient to determine the role of this variant in disease. Therefore, it has been classified as a Variant of Uncertain Significance. Algorithms developed to predict the effect of missense changes on protein structure and function are either unavailable or do not agree on the potential impact of this missense change (SIFT: "Tolerated"; PolyPhen-2: "Possibly Damaging"; Align-GVGD: "Class C0"). This variant has not been reported in the literature in individuals affected with GNA11-related conditions. This variant is present in population databases (rs768371546, gnomAD 0.002%). This sequence change replaces asparagine, which is neutral and polar, with histidine, which is basic and polar, at codon 198 of the GNA11 protein (p.Asn198His).